The following is an entry in ClinVar:

ClinVar aggregate classification (germline): Uncertain significance. Review status: criteria provided, multiple submitters, no conflicts (2 of 4 stars). 4 submissions from 4 submitters: Uncertain significance (4). Last evaluated 2025-12-31.

Conditions:
MYH6-related disorder. Also called: MYH6-Related Disorders; MYH6-related condition.
Hypertrophic cardiomyopathy 14. Identifiers: MedGen C2750467, MONDO:0013197, OMIM 613251.
Cardiovascular phenotype. Identifiers: MedGen CN230736.
Atrial septal defect 3 (ASD3). Identifiers: Orphanet 1478, MedGen C3279790, MONDO:0013567, OMIM 614089.
Dilated cardiomyopathy 1EE (CMD1EE). Identifiers: Orphanet 154, MedGen C2750466, MONDO:0013198, OMIM 613252.

Allele frequency attached by ClinVar (database versions not stated): gnomAD exomes below 0.00001 and 0.00001; ExAC 0.00001; gnomAD 0.00001; TOPMed 0.00002.
gnomAD v4.1: 7 of 1,614,018 alleles (0.00043%); highest among the groups gnomAD compares: Admixed American, 0.0083%; no homozygotes.

Submissions (4):

Labcorp Genetics (formerly Invitae), Labcorp
Classification: Uncertain significance for Hypertrophic cardiomyopathy 14. Last evaluated: 2025-12-31. Review status: criteria provided, single submitter. Criteria: Invitae Variant Classification Sherloc (09022015). Collection method: clinical testing. Allele origin: germline.
Comment: This sequence change replaces serine, which is neutral and polar, with asparagine, which is neutral and polar, at codon 1650 of the MYH6 protein (p.Ser1650Asn). This variant is present in population databases (rs767073355, gnomAD 0.006%). This variant has not been reported in the literature in individuals affected with MYH6-related conditions. ClinVar contains an entry for this variant (Variation ID: 1010124). Invitae Evidence Modeling of protein sequence and biophysical properties (such as structural, functional, and spatial information, amino acid conservation, physicochemical variation, residue mobility, and thermodynamic stability) indicates that this missense variant is not expected to disrupt MYH6 protein function with a negative predictive value of 80%. In summary, the available evidence is currently insufficient to determine the role of this variant in disease. Therefore, it has been classified as a Variant of Uncertain Significance.

PreventionGenetics, part of Exact Sciences
Classification: Uncertain significance for MYH6-related condition. Last evaluated: 2025-09-16. Review status: criteria provided, single submitter. Criteria: ACMG Guidelines, 2015. Collection method: clinical testing. Allele origin: germline.
Comment: The MYH6 c.4949G>A variant is predicted to result in the amino acid substitution p.Ser1650Asn. To our knowledge, this variant has not been reported in the literature. This variant is reported in 0.0058% of alleles in individuals of Latino descent in gnomAD. At this time, the clinical significance of this variant is uncertain due to the absence of conclusive functional and genetic evidence.

GeneDx
Classification: Uncertain significance. Last evaluated: 2024-01-09. Review status: criteria provided, single submitter. Criteria: GeneDx Variant Classification Process June 2021. Collection method: clinical testing. Allele origin: germline. Affected: yes.
Comment: Not observed at significant frequency in large population cohorts (gnomAD); In silico analysis supports that this missense variant does not alter protein structure/function; Has not been previously published as pathogenic or benign to our knowledge

Ambry Genetics
Classification: Uncertain significance for Cardiovascular phenotype. Last evaluated: 2020-03-18. Review status: criteria provided, single submitter. Criteria: Ambry Variant Classification Scheme 2023. Collection method: clinical testing. Allele origin: germline.
Comment: The p.S1650N variant (also known as c.4949G>A), located in coding exon 31 of the MYH6 gene, results from a G to A substitution at nucleotide position 4949. The serine at codon 1650 is replaced by asparagine, an amino acid with highly similar properties. This amino acid position is poorly conserved in available vertebrate species. In addition, this alteration is predicted to be tolerated by in silico analysis. Since supporting evidence is limited at this time, the clinical significance of this alteration remains unclear.

NM_002471.4(MYH6):c.4949G>A (p.Ser1650Asn)

Genes: MYH6 (myosin heavy chain 6; minus strand), LOC126861896 (BRD4-independent group 4 enhancer GRCh37_chr14:23854904-23856103; plus strand). Cytogenetic location: 14q11.2.
Variant type: single nucleotide variant.
Coding change: c.4949G>A on transcript NM_002471.4 (MANE Select); coding-DNA position 4949, G replaced by A.
Protein change: p.Ser1650Asn; replaces serine 1650 with asparagine.
Molecular consequence: missense variant.
Genome position (GRCh38, 1-based): chr14:23,386,325, C>T on the plus strand (G>A on the coding strand, the complement: MYH6 is on the minus strand). VCF-style: chr14-23386325-C-T. GRCh37 (hg19) VCF-style: chr14-23855534-C-T.
Other names: short protein forms S1650N.
Identifiers: ClinVar variation 1010124 (VCV001010124.14), dbSNP rs767073355, ClinGen allele CA7114609.
Genomic context (GRCh38, chr14:23,386,325, plus strand): 5'-CAGGCCACATGGAGGCCAGTCCCCTGAGGGGACCTCCCGCCCCCATGTACCTTCAGCAAG[C>T]TCTGGAGGCTCTTGACTTGCTTCTGGGCCTCGGCAGCCATGCGGTTGGCGTGGCTGAGCT-3'
Protein context (NP_002462.2, residues 1640-1660): EAQKQVKSLQ[Ser1650Asn]LLKDTQIQLD